The following is an entry in ClinVar:

ClinVar aggregate classification (germline): Likely pathogenic (1 of 4 stars; one submission).

Conditions:
Glycogen storage disease, type II (IOPD). Also called: Pompe Disease; CARDIOMEGALIA GLYCOGENICA DIFFUSA; GLYCOGENOSIS, GENERALIZED, CARDIAC FORM; GSD II; POMPE DISEASE, INFANTILE-ONSET; GLYCOGEN STORAGE DISEASE II, INFANTILE-ONSET. Identifiers: Orphanet 365, MedGen C0017921, MONDO:0009290, OMIM 232300.

Submission:

Genomenon, Inc
Classification: Likely pathogenic for Glycogen storage disease, type II. Last evaluated: 2026-07-01. Review status: criteria provided, single submitter. Criteria: Genomenon Sequence Variant Interpretation Standards - Updated. Collection method: curation. Allele origin: germline. Affected: yes.
Comment: GAA p.His674Asp (c.2020C>G) is a missense variant that changes the amino acid at codon 674 from Histidine to Aspartic acid. This variant has been observed in at least one proband with a GAA-related disorder in the compound heterozygous and/or homozygous state (PMID:29149851). The variant is located in a mutational hotspot and/or important functional domain. It is absent or not present at a significant frequency in gnomAD. In silico models predict that this variant is possibly or probably damaging. In conclusion, we classify GAA p.His674Asp (c.2020C>G) as a likely pathogenic variant.

Literature cited by the submitters: PubMed 29149851.

NM_000152.5(GAA):c.2020C>G (p.His674Asp)

Gene: GAA (alpha glucosidase; plus strand). Cytogenetic location: 17q25.3.
Variant type: single nucleotide variant.
Coding change: c.2020C>G on transcript NM_000152.5 (MANE Select); coding-DNA position 2020, C replaced by G.
Protein change: p.His674Asp; replaces histidine 674 with aspartic acid.
Molecular consequence: missense variant.
Genome position (GRCh38, 1-based): chr17:80,113,007, C>G. VCF-style: chr17-80113007-C-G. GRCh37 (hg19) VCF-style: chr17-78086806-C-G.
Other names: c.2020C>G, p.His674Asp (NM_001079803.3, NM_001079804.3, NM_001406741.1 and 1 more transcripts); short protein forms H674D.
Identifiers: ClinVar variation 4876553 (VCV004876553.1).
Genomic context (GRCh38, chr17:80,113,007, plus strand): 5'-TCAGAGGAGCTGTGTGTGCGCTGGACCCAGCTGGGGGCCTTCTACCCCTTCATGCGGAAC[C>G]ACAACAGCCTGCTCAGTCTGGTAGGGTGGGGGTGGCGGCATGGCAGGTGGGCGATCCCAC-3'
Protein context (NP_000143.2, residues 664-684): LGAFYPFMRN[His674Asp]NSLLSLPQEP